The following is an entry in ClinVar:

NC_000009.11:g.(?_1911292)_(2192739_?)dup

Gene: SMARCA2 (SWI/SNF related BAF chromatin remodeling complex subunit ATPase 2; plus strand). Cytogenetic location: 9p24.3.
Variant type: Duplication.
Identifiers: ClinVar variation 3245312 (VCV003245312.1).

ClinVar aggregate classification (germline): Uncertain significance (1 of 4 stars; one submission).

Submission:

Labcorp Genetics (formerly Invitae), Labcorp
Classification: Uncertain significance. Last evaluated: 2023-11-27. Review status: criteria provided, single submitter. Criteria: Invitae Variant Classification Sherloc (09022015). Collection method: clinical testing. Allele origin: unknown.
Comment: A copy number gain of the genomic region encompassing the full coding sequence of the SMARCA2 gene has been identified. The boundaries of this event are unknown as they extend beyond the assayed region for this gene and therefore may encompass additional genes. As the precise location of this event is unknown, it may be in tandem or it may be located elsewhere in the genome. Isolated whole-gene copy number gains of SMARCA2 have not been reported in the literature. However, larger copy number events that include this gene have been reported (PMID: 27264538). In summary, the available evidence is currently insufficient to determine the role of this variant in disease. Therefore, it has been classified as a Variant of Uncertain Significance.

Literature cited by the submitters: PubMed 27264538.